The following is an entry in ClinVar:

NM_012082.4(ZFPM2):c.3377T>C (p.Ile1126Thr)

Genes: ZFPM2 (zinc finger protein, FOG family member 2; plus strand), ZFPM2-AS1 (ZFPM2 antisense RNA 1; minus strand). Cytogenetic location: 8q23.1.
Variant type: single nucleotide variant.
Coding change: c.3377T>C on transcript NM_012082.4 (MANE Select); coding-DNA position 3377, T replaced by C.
Protein change: p.Ile1126Thr; replaces isoleucine 1126 with threonine.
Molecular consequence: missense variant.
Genome position (GRCh38, 1-based): chr8:105,803,459, T>C. VCF-style: chr8-105803459-T-C. GRCh37 (hg19) VCF-style: chr8-106815687-T-C.
Other names: c.3218T>C, p.Ile1073Thr (NM_001362836.2); c.2981T>C, p.Ile994Thr (NM_001362837.2); short protein forms I1073T, I1126T, I994T.
Identifiers: ClinVar variation 4798205 (VCV004798205.1).

ClinVar aggregate classification (germline): Uncertain significance (1 of 4 stars; one submission).

Conditions:
46,XY sex reversal 9 (SRXY9). Also called: 46,XY SEX REVERSAL, ZFPM2-RELATED. Identifiers: Orphanet 251510, MedGen C4015129, MONDO:0014480, OMIM 616067.

gnomAD v4.1: 6 of 1,613,742 alleles (0.00037%); highest among the groups gnomAD compares: Admixed American, 0.005%; no homozygotes.

Submission:

Labcorp Genetics (formerly Invitae), Labcorp
Classification: Uncertain significance for 46,XY sex reversal 9. Last evaluated: 2025-09-10. Review status: criteria provided, single submitter. Criteria: Invitae Variant Classification Sherloc (09022015). Collection method: clinical testing. Allele origin: germline.
Comment: This sequence change replaces isoleucine, which is neutral and non-polar, with threonine, which is neutral and polar, at codon 1126 of the ZFPM2 protein (p.Ile1126Thr). This variant is present in population databases (rs757992625, gnomAD 0.003%). This variant has not been reported in the literature in individuals affected with ZFPM2-related conditions. An algorithm developed to predict the effect of missense changes on protein structure and function (PolyPhen-2) suggests that this variant is likely to be disruptive. In summary, the available evidence is currently insufficient to determine the role of this variant in disease. Therefore, it has been classified as a Variant of Uncertain Significance.